The following is an entry in ClinVar:

NM_000384.3(APOB):c.7932G>C (p.Arg2644Ser)

Gene: APOB (apolipoprotein B; minus strand). Cytogenetic location: 2p24.1.
Variant type: single nucleotide variant.
Coding change: c.7932G>C on transcript NM_000384.3 (MANE Select); coding-DNA position 7932, G replaced by C.
Protein change: p.Arg2644Ser; replaces arginine 2644 with serine.
Molecular consequence: missense variant.
Genome position (GRCh38, 1-based): chr2:21,008,936, C>G on the plus strand (G>C on the coding strand, the complement: APOB is on the minus strand). VCF-style: chr2-21008936-C-G. GRCh37 (hg19) VCF-style: chr2-21231808-C-G.
Other names: short protein forms R2644S.
Identifiers: ClinVar variation 1305352 (VCV001305352.2), dbSNP rs761712756, ClinGen allele CA064928.
Genomic context (GRCh38, chr2:21,008,936, plus strand): 5'-GTCAATTGTAAAGGAAGGAATGTGGAAGGTGTTAAGGATGGTAAATTCTGGTGTGGAAAA[C>G]CTGGATGGGATTTTTATATTTTTTAAGTCTTTGAAGTTTATCTGAACTGATGGAATCCTC-3'
Protein context (NP_000375.3, residues 2634-2654): KDLKNIKIPS[Arg2644Ser]FSTPEFTILN

ClinVar aggregate classification (germline): Uncertain significance (1 of 4 stars; one submission).

Allele frequency attached by ClinVar (database versions not stated): gnomAD exomes below 0.00001; ExAC 0.00001.
gnomAD v4.1: 1 of 1,613,970 alleles (0.000062%); highest among the groups gnomAD compares: Non-Finnish European, 0.000085%; no homozygotes.

Submission:

GeneDx
Classification: Uncertain significance. Last evaluated: 2019-04-24. Review status: criteria provided, single submitter. Criteria: GeneDx Variant Classification Process June 2021. Collection method: clinical testing. Allele origin: germline. Affected: yes.
Comment: Has not been previously published as pathogenic or benign to our knowledge; Not observed at a significant frequency in large population cohorts (Lek et al., 2016); In silico analysis, which includes protein predictors and evolutionary conservation, supports a deleterious effect